The following is an entry in ClinVar:

NM_001166108.2(PALLD):c.2117A>G (p.Glu706Gly)

Genes: CBR4 (carbonyl reductase 4; minus strand), PALLD (palladin, cytoskeletal associated protein; plus strand). Cytogenetic location: 4q32.3.
Variant type: single nucleotide variant.
Coding change: c.2117A>G on transcript NM_001166108.2 (MANE Select); coding-DNA position 2117, A replaced by G.
Protein change: p.Glu706Gly; replaces glutamic acid 706 with glycine.
Molecular consequence: missense variant. On other transcripts: 5 prime UTR variant (4).
Genome position (GRCh38, 1-based): chr4:168,894,595, A>G. VCF-style: chr4-168894595-A-G. GRCh37 (hg19) VCF-style: chr4-169815746-A-G.
Other names: c.971A>G, p.Glu324Gly (NM_001166109.2); c.656A>G, p.Glu219Gly (NM_001166110.2); c.-5A>G (NM_001367567.1, NM_001367568.1, NM_001367569.1 and 1 more transcripts); c.2117A>G, p.Glu706Gly (NM_016081.4); short protein forms E219G, E706G, E324G.
Identifiers: ClinVar variation 3304085 (VCV003304085.1).

ClinVar aggregate classification (germline): Uncertain significance (1 of 4 stars; one submission).

Submission:

Ambry Genetics
Classification: Uncertain significance. Last evaluated: 2024-05-10. Review status: criteria provided, single submitter. Criteria: Ambry Variant Classification Scheme 2023. Collection method: clinical testing. Allele origin: germline.
Comment: The p.E706G variant (also known as c.2117A>G), located in coding exon 11 of the PALLD gene, results from an A to G substitution at nucleotide position 2117. The glutamic acid at codon 706 is replaced by glycine, an amino acid with similar properties. This amino acid position is conserved. In addition, the in silico prediction for this alteration is inconclusive. Based on the available evidence, the clinical significance of this variant remains unclear.